The following is an entry in ClinVar:

ClinVar aggregate classification (germline): Benign. Review status: criteria provided, multiple submitters, no conflicts (2 of 4 stars). 3 submissions from 3 submitters: Benign (2). 1 of the submissions does not count toward it. Last evaluated 2018-05-03.

Conditions:
CSMD3-related disorder. Also called: CSMD3-related condition.

Allele frequency attached by ClinVar (database versions not stated): gnomAD exomes 0.00066 and 0.00176; ExAC 0.00197; 1000 Genomes Project 30x 0.00531; 1000 Genomes Project 0.00579; gnomAD 0.00667 and 0.00712; ESP Exome Variant Server 0.00715; TOPMed 0.00778.
gnomAD v4.1: 2,008 of 1,609,844 alleles (0.12%); highest among the groups gnomAD compares: African/African-American, 2.2%; 23 homozygotes.

Submissions (3):

Labcorp Genetics (formerly Invitae), Labcorp
Classification: Benign. Last evaluated: 2018-05-03. Review status: criteria provided, single submitter. Criteria: Invitae Variant Classification Sherloc (09022015). Collection method: clinical testing. Allele origin: germline.

Breakthrough Genomics
Classification: Benign. Review status: criteria provided, single submitter. Criteria: ACMG Guidelines, 2015. Collection method: not provided. Allele origin: germline. Inheritance: Unknown mechanism. Affected: yes.

PreventionGenetics, part of Exact Sciences
Classification: Likely benign for CSMD3-related condition. Last evaluated: 2019-03-20. Review status: no assertion criteria provided. Collection method: clinical testing. Allele origin: germline. Not counted in ClinVar's aggregate classification.
Comment: This variant is classified as likely benign based on ACMG/AMP sequence variant interpretation guidelines (Richards et al. 2015 PMID: 25741868, with internal and published modifications).

NM_198123.2(CSMD3):c.348C>T (p.Tyr116=)

Gene: CSMD3 (CUB and Sushi multiple domains 3; minus strand). Cytogenetic location: 8q23.3.
Variant type: single nucleotide variant.
Coding change: c.348C>T on transcript NM_198123.2 (MANE Select); coding-DNA position 348, C replaced by T.
Protein change: p.Tyr116=; no amino-acid change (tyrosine 116 retained).
Molecular consequence: synonymous variant.
Genome position (GRCh38, 1-based): chr8:113,314,624, G>A on the plus strand (C>T on the coding strand, the complement: CSMD3 is on the minus strand). VCF-style: chr8-113314624-G-A. GRCh37 (hg19) VCF-style: chr8-114326853-G-A.
Other names: c.348C>T, p.Tyr116= (NM_001363185.1, NM_052900.3); c.228C>T, p.Tyr76= (NM_198124.2).
Identifiers: ClinVar variation 709345 (VCV000709345.6), dbSNP rs35125143, ClinGen allele CA4851271.